The following is an entry in ClinVar:

ClinVar aggregate classification (germline): Pathogenic (1 of 4 stars; one submission).

Conditions:
Lethal multiple pterygium syndrome (LMPS). Identifiers: Orphanet 33108, MedGen C1854678, MONDO:0009668, OMIM 253290.

Submission:

Labcorp Genetics (formerly Invitae), Labcorp
Classification: Pathogenic for Lethal multiple pterygium syndrome. Last evaluated: 2026-01-17. Review status: criteria provided, single submitter. Criteria: Invitae Variant Classification Sherloc (09022015). Collection method: clinical testing. Allele origin: germline.
Comment: This sequence change creates a premature translational stop signal (p.Glu391*) in the CHRNA1 gene. It is expected to result in an absent or disrupted protein product. Loss-of-function variants in CHRNA1 are known to be pathogenic (PMID: 14719537, 15907919, 18252226). This variant is not present in population databases (gnomAD no frequency). This variant has not been reported in the literature in individuals affected with CHRNA1-related conditions. For these reasons, this variant has been classified as Pathogenic.

Literature cited by the submitters: PubMed 14719537; PubMed 15907919; PubMed 18252226.

NM_000079.4(CHRNA1):c.1171G>T (p.Glu391Ter)

Gene: CHRNA1 (cholinergic receptor nicotinic alpha 1 subunit; minus strand). Cytogenetic location: 2q31.1.
Variant type: single nucleotide variant.
Coding change: c.1171G>T on transcript NM_000079.4 (MANE Select); coding-DNA position 1171, G replaced by T.
Protein change: p.Glu391Ter; replaces glutamic acid 391 with a stop codon.
Molecular consequence: nonsense.
Genome position (GRCh38, 1-based): chr2:174,748,651, C>A on the plus strand (G>T on the coding strand, the complement: CHRNA1 is on the minus strand). VCF-style: chr2-174748651-C-A. GRCh37 (hg19) VCF-style: chr2-175613379-C-A.
Other names: c.1246G>T, p.Glu416Ter (NM_001039523.3); short protein forms E391*, E416*.
Identifiers: ClinVar variation 4801085 (VCV004801085.1).